The following is an entry in ClinVar:

ClinVar aggregate classification (germline): Likely pathogenic. Review status: reviewed by expert panel (3 of 4 stars). 2 submissions from 2 submitters: Likely pathogenic (1). 1 of the submissions does not count toward it. Last evaluated 2023-12-09.

Conditions:
Abnormal bleeding. Also called: Bleeding diathesis. Identifiers: MedGen C1458140, HP:0001892.
Thrombocytopenia. Identifiers: MedGen C0040034, MeSH D013921, MONDO:0002049, HP:0001873.
Hereditary thrombocytopenia and hematologic cancer predisposition syndrome. Identifiers: Orphanet 71290, MedGen CN281654, MONDO:0011071.

Submissions (2):

ClinGen Myeloid Malignancy Variant Curation Expert Panel
Classification: Likely pathogenic for Hereditary thrombocytopenia and hematologic cancer predisposition syndrome. Last evaluated: 2023-12-09. Review status: reviewed by expert panel. Criteria: ClinGen MyeloMalig ACMG Specifications v2. Collection method: curation. Allele origin: germline. Inheritance: Autosomal dominant inheritance.
Comment: NM_001754.5(RUNX1):c.508+1G>T is a splicing variant which is predicted to alter splicing. This variant affects intron 5 at the canonical Donor site c.508 (SpliceAI value = Donor Loss 1.00) (PVS1). This variant is completely absent from all population databases with at least 20x coverage for RUNX1 (PM2_supporting).

Birmingham Platelet Group; University of Birmingham
Classification: Pathogenic for Thrombocytopenia; Abnormal bleeding. Last evaluated: 2020-05-01. Review status: no assertion criteria provided. Collection method: research. Allele origin: germline. Affected: yes. Not counted in ClinVar's aggregate classification.

NM_001754.5(RUNX1):c.508+1G>T

Genes: RUNX1 (RUNX family transcription factor 1; minus strand), RUNX1-AS1 (RUNX1 antisense RNA 1; plus strand). Cytogenetic location: 21q22.12.
Variant type: single nucleotide variant.
Coding change: c.508+1G>T on transcript NM_001754.5 (MANE Select); the canonical splice donor site of the intron after coding-DNA position 508, G replaced by T.
Molecular consequence: splice donor variant.
Genome position (GRCh38, 1-based): chr21:34,880,556, C>A on the plus strand (G>T on the coding strand, the complement: RUNX1 is on the minus strand). VCF-style: chr21-34880556-C-A. GRCh37 (hg19) VCF-style: chr21-36252853-C-A.
Other names: c.427+1G>T (NM_001001890.3, NM_001122607.2).
Identifiers: ClinVar variation 988808 (VCV000988808.2), dbSNP rs1601515718, ClinGen allele CA410202461.